The following is an entry in ClinVar:

ClinVar aggregate classification (germline): Uncertain significance (1 of 4 stars; one submission).

Submission:

Labcorp Genetics (formerly Invitae), Labcorp
Classification: Uncertain significance. Last evaluated: 2024-06-08. Review status: criteria provided, single submitter. Criteria: Invitae Variant Classification Sherloc (09022015). Collection method: clinical testing. Allele origin: germline.
Comment: This variant, c.908_910del, results in the deletion of 1 amino acid(s) of the ASRGL1 protein (p.Thr303del), but otherwise preserves the integrity of the reading frame. This variant is present in population databases (rs753470707, gnomAD 0.03%). This variant has not been reported in the literature in individuals affected with ASRGL1-related conditions. Experimental studies and prediction algorithms are not available or were not evaluated, and the functional significance of this variant is currently unknown. In summary, the available evidence is currently insufficient to determine the role of this variant in disease. Therefore, it has been classified as a Variant of Uncertain Significance.

NM_001083926.2(ASRGL1):c.905CTA[1] (p.Thr303del)

Gene: ASRGL1 (asparaginase and isoaspartyl peptidase 1; plus strand). Cytogenetic location: 11q12.3.
Variant type: Microsatellite.
Coding change: c.905CTA[1] on transcript NM_001083926.2 (MANE Select); one copy of the 3-base unit CTA starting at c.905; the reference has two copies in a row; one copy, 3 bases deleted.
Protein change: p.Thr303del; deletes threonine 303.
Molecular consequence: inframe deletion.
Genome position (GRCh38, 1-based): chr11:62,392,265-62,392,267, CTA deleted; deleting any 3 consecutive bases within chr11:62,392,260-62,392,267 gives the same sequence; the position shown is the placement nearest the transcript's 3' end. VCF-style (leftmost placement, unchanged base first): chr11-62392259-ATAC-A. GRCh37 (hg19) VCF-style: chr11-62159731-ATAC-A.
Other names: c.905CTA[1], p.Thr303del (NM_025080.4); short protein forms T303del.
Identifiers: ClinVar variation 1060340 (VCV001060340.9), dbSNP rs753470707, ClinGen allele CA6043352.